The following is an entry in ClinVar:

NM_015100.4(POGZ):c.2806G>C (p.Gly936Arg)

Gene: POGZ (pogo transposable element derived with ZNF domain; minus strand). Cytogenetic location: 1q21.3.
Variant type: single nucleotide variant.
Coding change: c.2806G>C on transcript NM_015100.4 (MANE Select); coding-DNA position 2806, G replaced by C.
Protein change: p.Gly936Arg; replaces glycine 936 with arginine.
Molecular consequence: missense variant.
Genome position (GRCh38, 1-based): chr1:151,406,229, C>G on the plus strand (G>C on the coding strand, the complement: POGZ is on the minus strand). VCF-style: chr1-151406229-C-G. GRCh37 (hg19) VCF-style: chr1-151378705-C-G.
Other names: c.2779G>C, p.Gly927Arg (NM_001194937.2); c.2620G>C, p.Gly874Arg (NM_001194938.2); c.2521G>C, p.Gly841Arg (NM_145796.4); c.2647G>C, p.Gly883Arg (NM_207171.2); short protein forms G841R, G874R, G883R, G927R, G936R.
Identifiers: ClinVar variation 1310364 (VCV001310364.2), dbSNP rs1557867134, ClinGen allele CA341948677.

ClinVar aggregate classification (germline): Uncertain significance (1 of 4 stars; one submission).

Submission:

GeneDx
Classification: Uncertain significance. Last evaluated: 2020-01-20. Review status: criteria provided, single submitter. Criteria: GeneDx Variant Classification Process June 2021. Collection method: clinical testing. Allele origin: germline. Affected: yes.
Comment: Not observed in large population cohorts (Lek et al., 2016); In silico analysis, which includes protein predictors and evolutionary conservation, supports that this variant does not alter protein structure/function; Has not been previously published as pathogenic or benign to our knowledge